The following is an entry in ClinVar:

NM_138409.4(MRAP2):c.565A>G (p.Ile189Val)

Gene: MRAP2 (melanocortin 2 receptor accessory protein 2; plus strand). Cytogenetic location: 6q14.2.
Variant type: single nucleotide variant.
Coding change: c.565A>G on transcript NM_138409.4 (MANE Select); coding-DNA position 565, A replaced by G.
Protein change: p.Ile189Val; replaces isoleucine 189 with valine.
Molecular consequence: missense variant.
Genome position (GRCh38, 1-based): chr6:84,089,428, A>G. VCF-style: chr6-84089428-A-G. GRCh37 (hg19) VCF-style: chr6-84799147-A-G.
Other names: c.307A>G, p.Ile103Val (NM_001346541.2); c.565A>G, p.Ile189Val (NM_001346542.2, NM_001346544.2); c.400A>G, p.Ile134Val (NM_001346543.2); short protein forms I103V, I134V, I189V.
Identifiers: ClinVar variation 2636495 (VCV002636495.1), dbSNP rs1393641741, ClinGen allele CA364869708.

ClinVar aggregate classification (germline): Uncertain significance (1 of 4 stars; one submission).

Conditions:
MRAP2-related disorder. Also called: MRAP2-related condition.

Allele frequency attached by ClinVar (database versions not stated): gnomAD exomes below 0.00001; gnomAD 0.00001.
gnomAD v4.1: 2 of 1,613,910 alleles (0.00012%); highest among the groups gnomAD compares: Non-Finnish European, 0.00017%; no homozygotes.

Submission:

PreventionGenetics, part of Exact Sciences
Classification: Uncertain significance for MRAP2-related condition. Last evaluated: 2023-01-11. Review status: criteria provided, single submitter. Criteria: ACMG Guidelines, 2015. Collection method: clinical testing. Allele origin: germline.
Comment: The MRAP2 c.565A>G variant is predicted to result in the amino acid substitution p.Ile189Val. To our knowledge, this variant has not been reported in the literature or in a large population database, indicating this variant is rare. At this time, the clinical significance of this variant is uncertain due to the absence of conclusive functional and genetic evidence.